The following is an entry in ClinVar:

NM_002294.3(LAMP2):c.74G>A (p.Arg25Gln)

Gene: LAMP2 (lysosome associated membrane protein 2; minus strand). Cytogenetic location: Xq24.
Variant type: single nucleotide variant.
Coding change: c.74G>A on transcript NM_002294.3 (MANE Select); coding-DNA position 74, G replaced by A.
Protein change: p.Arg25Gln; replaces arginine 25 with glutamine.
Molecular consequence: missense variant.
Genome position (GRCh38, 1-based): chrX:120,456,760, C>T on the plus strand (G>A on the coding strand, the complement: LAMP2 is on the minus strand). VCF-style: chrX-120456760-C-T. GRCh37 (hg19) VCF-style: chrX-119590615-C-T.
Other names: c.74G>A, p.Arg25Gln (NM_001122606.1, NM_013995.2); short protein forms R25Q.
Identifiers: ClinVar variation 379524 (VCV000379524.25), dbSNP rs750118236, ClinGen allele CA10505348.

ClinVar aggregate classification (germline): Conflicting classifications of pathogenicity. Review status: criteria provided, conflicting classifications (1 of 4 stars). 8 submissions from 8 submitters: Uncertain significance (1); Benign (6); Likely benign (1). Last evaluated 2026-01-17.

Conditions:
LAMP2-related disorder. Also called: LAMP2-related condition.
Cardiovascular phenotype. Identifiers: MedGen CN230736.
Cardiomyopathy (CMYO). Also called: Cardiomyopathies. Identifiers: Orphanet 167848, MedGen C0878544, MONDO:0004994, HP:0001638. Inheritance: Various modes of inheritance.
Danon disease. Also called: ANTOPOL DISEASE; Glycogen Storage Disease Type IIb; PSEUDOGLYCOGENOSIS II; GSD IIb; LYSOSOMAL GLYCOGEN STORAGE DISEASE WITHOUT ACID MALTASE DEFICIENCY. Identifiers: Orphanet 34587, MedGen C0878677, MONDO:0010281, OMIM 300257.

Allele frequency attached by ClinVar (database versions not stated): gnomAD 0.00002 and 0.00016; TOPMed 0.00008; gnomAD exomes 0.00038; ExAC 0.00049; 1000 Genomes Project 30x 0.00271; 1000 Genomes Project 0.00318.

Submissions (8):

Labcorp Genetics (formerly Invitae), Labcorp
Classification: Benign for Danon disease. Last evaluated: 2026-01-17. Review status: criteria provided, single submitter. Criteria: Invitae Variant Classification Sherloc (09022015). Collection method: clinical testing. Allele origin: germline.

PreventionGenetics, part of Exact Sciences
Classification: Benign for LAMP2-related condition. Last evaluated: 2025-05-21. Review status: criteria provided, single submitter. Criteria: ACMG Guidelines, 2015. Collection method: clinical testing. Allele origin: germline.
Comment: This variant is classified as benign based on ACMG/AMP sequence variant interpretation guidelines (Richards et al. 2015 PMID: 25741868, with internal and published modifications).

Blueprint Genetics
Classification: Likely benign. Last evaluated: 2024-03-18. Review status: criteria provided, single submitter. Criteria: ACMG Guidelines, 2015. Collection method: clinical testing. Allele origin: germline.

Dubai Health Genomic Medicine Center, Dubai Health
Classification: Benign. Last evaluated: 2020-03-22. Review status: criteria provided, single submitter. Criteria: ACMG Guidelines, 2015. Collection method: clinical testing. Allele origin: germline. Affected: yes.

Ambry Genetics
Classification: Benign for Cardiovascular phenotype. Last evaluated: 2018-03-20. Review status: criteria provided, single submitter. Criteria: Ambry Variant Classification Scheme 2023. Collection method: clinical testing. Allele origin: germline.

Illumina Laboratory Services, Illumina
Classification: Benign for Danon disease. Last evaluated: 2018-01-12. Review status: criteria provided, single submitter. Criteria: ICSL Variant Classification Criteria 13 December 2019. Collection method: clinical testing. Allele origin: germline.
Comment: This variant was observed in the ICSL laboratory as part of a predisposition screen in an ostensibly healthy population. It had not been previously curated by ICSL or reported in the Human Gene Mutation Database (HGMD: prior to June 1st, 2018), and was therefore a candidate for classification through an automated scoring system. Utilizing variant allele frequency, disease prevalence and penetrance estimates, and inheritance mode, an automated score was calculated to assess if this variant is too frequent to cause the disease. Based on the score and internal cut-off values, a variant classified as benign is not then subjected to further curation. The score for this variant resulted in a classification of benign for this disease.

GeneDx
Classification: Benign. Last evaluated: 2016-05-20. Review status: criteria provided, single submitter. Criteria: GeneDx Variant Classification (06012015). Collection method: clinical testing. Allele origin: germline. Affected: yes.
Comment: This variant is considered likely benign or benign based on one or more of the following criteria: it is a conservative change, it occurs at a poorly conserved position in the protein, it is predicted to be benign by multiple in silico algorithms, and/or has population frequency not consistent with disease.

CHEO Genetics Diagnostic Laboratory, Children's Hospital of Eastern Ontario
Classification: Uncertain significance for Cardiomyopathy. Last evaluated: 2016-04-01. Review status: criteria provided, single submitter. Criteria: ACMG Guidelines, 2015. Collection method: clinical testing. Allele origin: germline. Study: Canadian Open Genetics Repository.